The following is an entry in ClinVar:

ClinVar aggregate classification (germline): Likely pathogenic (1 of 4 stars; one submission).

Conditions:
Dilated cardiomyopathy 1G (CMD1G). Identifiers: Orphanet 154, MedGen C1858763, MONDO:0011400, OMIM 604145.

Submission:

Juno Genomics, Hangzhou Juno Genomics, Inc
Classification: Likely pathogenic for Dilated cardiomyopathy 1G. Review status: criteria provided, single submitter. Criteria: ACMG Guidelines, 2015. Collection method: clinical testing. Allele origin: germline.
Comment: Absent from controls (or at extremely low frequency if recessive) in Genome Aggregation Database.;Null variant in a gene where loss of function (LOF) is a known mechanism of disease.

NM_001267550.2(TTN):c.63671del (p.Leu21224fs)

Genes: TTN (titin; minus strand), TTN-AS1 (TTN antisense RNA 1; plus strand). Cytogenetic location: 2q31.2.
Variant type: Deletion.
Coding change: c.63671del on transcript NM_001267550.2 (MANE Select); coding-DNA position 63671, one base deleted (T; older notation c.63671delT).
Protein change: p.Leu21224fs; shifts the reading frame from leucine 21224.
Molecular consequence: frameshift variant.
Genome position (GRCh38, 1-based): chr2:178,587,638, A deleted on the plus strand (T on the coding strand, the reverse complement: TTN is on the minus strand). VCF-style (leftmost placement, unchanged base first): chr2-178587637-CA-C. GRCh37 (hg19) VCF-style: chr2-179452364-CA-C.
Other names: c.58748del, p.Leu19583fs (NM_001256850.1); c.36476del, p.Leu12159fs (NM_003319.4); c.55967del, p.Leu18656fs (NM_133378.4); c.36851del, p.Leu12284fs (NM_133432.3); c.37052del, p.Leu12351fs (NM_133437.4); short protein forms L12159fs, L12284fs, L12351fs, L18656fs, L19583fs, L21224fs.
Identifiers: ClinVar variation 4796568 (VCV004796568.2).
Genomic context (GRCh38, chr2:178,587,637, plus strand): 5'-ATATTTTCCTGAGTCATCACGGGTAGAATTGGGGATGACAAGGAAGGCCATAGTGTCAAC[CA>C]GATCAACTTGTCCTTTTCTGACCACATTATCAATGCCAACTTTTCGCCAAGTGACTTTAG-3'